The following is an entry in ClinVar:

ClinVar aggregate classification (germline): Uncertain significance (1 of 4 stars; one submission).

Conditions:
Charcot-Marie-Tooth disease type 4. Also called: Charcot-Marie-Tooth disease, type IV; Charcot-Marie-Tooth, Type 4. Identifiers: Orphanet 64749, MedGen C4082197, MONDO:0018995.

Submission:

Labcorp Genetics (formerly Invitae), Labcorp
Classification: Uncertain significance for Charcot-Marie-Tooth disease type 4. Last evaluated: 2021-08-14. Review status: criteria provided, single submitter. Criteria: Invitae Variant Classification Sherloc (09022015). Collection method: clinical testing. Allele origin: germline.
Comment: A copy number gain of the genomic region encompassing the full coding sequence of the MTMR2 gene has been identified. The boundaries of this event are unknown as they extend beyond the assayed region for this gene and therefore may encompass additional genes. As the precise location of this event is unknown, it may be in tandem or it may be located elsewhere in the genome. This variant has not been reported in the literature in individuals affected with MTMR2-related conditions. In summary, the available evidence is currently insufficient to determine the role of this variant in disease. Therefore, it has been classified as a Variant of Uncertain Significance.

NC_000011.9:g.(?_95568454)_(95657118_?)dup

Gene: MTMR2 (myotubularin related protein 2; minus strand). Cytogenetic location: 11q21.
Variant type: Duplication.
Identifiers: ClinVar variation 1375885 (VCV001375885.4).